The following is an entry in ClinVar:

NM_007126.5(VCP):c.1162A>G (p.Met388Val)

Gene: VCP (valosin containing protein; minus strand). Cytogenetic location: 9p13.3.
Variant type: single nucleotide variant.
Coding change: c.1162A>G on transcript NM_007126.5 (MANE Select); coding-DNA position 1162, A replaced by G.
Protein change: p.Met388Val; replaces methionine 388 with valine.
Molecular consequence: missense variant.
Genome position (GRCh38, 1-based): chr9:35,061,609, T>C on the plus strand (A>G on the coding strand, the complement: VCP is on the minus strand). VCF-style: chr9-35061609-T-C. GRCh37 (hg19) VCF-style: chr9-35061606-T-C.
Other names: c.1027A>G, p.Met343Val (NM_001354927.2, NM_001354928.2); c.1162A>G (NM_007126.3); short protein forms M388V, M343V.
Identifiers: ClinVar variation 1404434 (VCV001404434.7), dbSNP rs761895823, ClinGen allele CA5039307.
Genomic context (GRCh38, chr9:35,061,609, plus strand): 5'-GCCTGGTCAGCCATCATCATCACTTCACCTGTTCCAGGTCCACATCATCTGCCAGCTTCA[T>C]GTTCTTGGTATGGATCTGAAGAATCTCTAAGCGTCCTGTAGCATCAGGAATTCCAATATC-3'
Protein context (NP_009057.1, residues 378-398): LEILQIHTKN[Met388Val]KLADDVDLEQ

ClinVar aggregate classification (germline): Uncertain significance. Review status: criteria provided, multiple submitters, no conflicts (2 of 4 stars). 2 submissions from 2 submitters: Uncertain significance (2). Last evaluated 2025-07-08.

Conditions:
Inclusion body myopathy with Paget disease of bone and frontotemporal dementia. Also called: Inclusion body myopathy with early-onset Paget disease and frontotemporal dementia. Identifiers: Orphanet 52430, MedGen C1833662, MONDO:0000507.
Frontotemporal dementia and/or amyotrophic lateral sclerosis 6 (FTDALS6). Also called: VCP-Related Amyotrophic Lateral Sclerosis/Frontotemporal Dementia; VCP-Related Amyotrophic Lateral Sclerosis. Identifiers: Orphanet 275872, Orphanet 803, MedGen C5436279, MONDO:0013501, OMIM 613954.

Allele frequency attached by ClinVar (database versions not stated): gnomAD 0.00001; gnomAD exomes 0.00001 and 0.00002; ExAC 0.00003.
gnomAD v4.1: 6 of 1,614,096 alleles (0.00037%); highest among the groups gnomAD compares: Non-Finnish European, 0.00051%; no homozygotes.

Submissions (2):

GeneDx
Classification: Uncertain significance. Last evaluated: 2025-07-08. Review status: criteria provided, single submitter. Criteria: GeneDx Variant Classification Process June 2021. Collection method: clinical testing. Allele origin: germline. Affected: yes.
Comment: Not observed at significant frequency in large population cohorts (gnomAD); In silico analysis supports that this missense variant has a deleterious effect on protein structure/function; Observed in an individual with cleft lip in published literature (PMID: 36468602); This variant is associated with the following publications: (PMID: 36468602)

Labcorp Genetics (formerly Invitae), Labcorp
Classification: Uncertain significance for Inclusion body myopathy with Paget disease of bone and frontotemporal dementia; Frontotemporal dementia and/or amyotrophic lateral sclerosis 6. Last evaluated: 2021-05-13. Review status: criteria provided, single submitter. Criteria: Invitae Variant Classification Sherloc (09022015). Collection method: clinical testing. Allele origin: germline.
Comment: In summary, the available evidence is currently insufficient to determine the role of this variant in disease. Therefore, it has been classified as a Variant of Uncertain Significance. Advanced modeling of protein sequence and biophysical properties (such as structural, functional, and spatial information, amino acid conservation, physicochemical variation, residue mobility, and thermodynamic stability) performed at Invitae indicates that this missense variant is not expected to disrupt VCP protein function. This variant has been observed in individual(s) with clinical features of VCP-related conditions (Invitae). This variant is present in population databases (rs761895823, ExAC 0.006%). This sequence change replaces methionine with valine at codon 388 of the VCP protein (p.Met388Val). The methionine residue is highly conserved and there is a small physicochemical difference between methionine and valine.